The following is an entry in ClinVar:

ClinVar aggregate classification (germline): Benign/Likely benign. Review status: criteria provided, multiple submitters, no conflicts (2 of 4 stars). 14 submissions from 14 submitters: Benign (13); Likely benign (1). Last evaluated 2026-02-03.

Conditions:
Ehlers-Danlos syndrome (EDS). Identifiers: Orphanet 98249, MedGen C0013720, MONDO:0020066.
Familial thoracic aortic aneurysm and aortic dissection (TAAD). Also called: Thoracic aortic aneurysms and dissections. Identifiers: Orphanet 91387, MedGen C4707243, MONDO:0019625.
Ehlers-Danlos syndrome, type 4 (EDSVASC). Also called: Ehlers-Danlos syndrome vascular type; Ehlers Danlos syndrome, ecchymotic type; Ehlers Danlos syndrome, arterial type; Ehlers Danlos syndrome, Sack-Barabas type; Ehlers-Danlos Syndrome Type IV. Identifiers: Orphanet 286, MedGen C0268338, MONDO:0017314, OMIM 130050.

Allele frequency attached by ClinVar (database versions not stated): 1000 Genomes Project 30x 0.00390; 1000 Genomes Project 0.00399; gnomAD 0.00430; TOPMed 0.00525; ESP Exome Variant Server 0.00577.
gnomAD v4.1: 1,338 of 1,614,146 alleles (0.083%); highest among the groups gnomAD compares: African/African-American, 1.6%; 7 homozygotes.

Submissions (14):

Labcorp Genetics (formerly Invitae), Labcorp
Classification: Benign for Ehlers-Danlos syndrome, type 4. Last evaluated: 2026-02-03. Review status: criteria provided, single submitter. Criteria: Invitae Variant Classification Sherloc (09022015). Collection method: clinical testing. Allele origin: germline.

Blueprint Genetics
Classification: Likely benign. Last evaluated: 2024-11-06. Review status: criteria provided, single submitter. Criteria: ACMG Guidelines, 2015. Collection method: clinical testing. Allele origin: germline.

All of Us Research Program, National Institutes of Health
Classification: Benign for Ehlers-Danlos syndrome, type 4. Last evaluated: 2024-02-05. Review status: criteria provided, single submitter. Criteria: ACMG Guidelines, 2015. Collection method: clinical testing. Allele origin: germline. Inheritance: Autosomal dominant inheritance. Observed: 262 variant alleles, 260 heterozygotes, 2 homozygotes.
Comment: This study involves interpretation of variants in research participants for the purpose of population health screening. Participant phenotype was not available at the time of variant classification. Additional details can be found in publication PMID: 35346344, PMCID: PMC8962531

ARUP Laboratories, Molecular Genetics and Genomics, ARUP Laboratories
Classification: Benign. Last evaluated: 2023-11-28. Review status: criteria provided, single submitter. Criteria: ARUP Molecular Germline Variant Investigation Process 2024. Collection method: clinical testing. Allele origin: germline.

Genome Diagnostics Laboratory, The Hospital for Sick Children
Classification: Benign for Ehlers-Danlos syndrome. Last evaluated: 2020-06-01. Review status: criteria provided, single submitter. Criteria: ACMG Guidelines, 2015. Collection method: clinical testing. Allele origin: germline.

Genetic Services Laboratory, University of Chicago
Classification: Benign. Last evaluated: 2019-07-22. Review status: criteria provided, single submitter. Criteria: ACMG Guidelines, 2015. Collection method: clinical testing. Allele origin: germline. Affected: no.

Women's Health and Genetics/Laboratory Corporation of America, LabCorp
Classification: Benign. Last evaluated: 2018-10-16. Review status: criteria provided, single submitter. Criteria: LabCorp Variant Classification Summary - May 2015. Collection method: clinical testing. Allele origin: germline.
Comment: Variant summary: COL3A1 c.3654G>T alters a non-conserved nucleotide resulting in a synonymous change. 5/5 computational tools predict no significant impact on normal splicing. However, these predictions have yet to be confirmed by functional studies. The variant allele was found at a frequency of 0.0014 in 277504 control chromosomes in the gnomAD database and publications, including 6 homozygotes. The observed variant frequency is approximately 1100-fold of the estimated maximal expected allele frequency for a pathogenic variant in COL3A1 causing Aortopathy phenotype (1.3e-06), strongly suggesting that the variant is benign. To our knowledge, no occurrence of c.3654G>T in individuals affected with Aortopathy and no experimental evidence demonstrating its impact on protein function have been reported. One clinical diagnostic laboratory has submitted clinical-significance assessments for this variant to ClinVar after 2014 without evidence for independent evaluation and classified the variant as benign. Based on the evidence outlined above, the variant was classified as benign.

Color Diagnostics, LLC DBA Color Health
Classification: Benign for Familial thoracic aortic aneurysm and aortic dissection. Last evaluated: 2018-03-08. Review status: criteria provided, single submitter. Criteria: ACMG Guidelines, 2015. Collection method: clinical testing. Allele origin: germline.

Illumina Laboratory Services, Illumina
Classification: Benign for Ehlers-Danlos syndrome, type 4. Last evaluated: 2018-01-13. Review status: criteria provided, single submitter. Criteria: ICSL Variant Classification Criteria 13 December 2019. Collection method: clinical testing. Allele origin: germline.
Comment: This variant was observed in the ICSL laboratory as part of a predisposition screen in an ostensibly healthy population. It had not been previously curated by ICSL or reported in the Human Gene Mutation Database (HGMD: prior to June 1st, 2018), and was therefore a candidate for classification through an automated scoring system. Utilizing variant allele frequency, disease prevalence and penetrance estimates, and inheritance mode, an automated score was calculated to assess if this variant is too frequent to cause the disease. Based on the score and internal cut-off values, a variant classified as benign is not then subjected to further curation. The score for this variant resulted in a classification of benign for this disease.

CHEO Genetics Diagnostic Laboratory, Children's Hospital of Eastern Ontario
Classification: Benign for Familial thoracic aortic aneurysm and aortic dissection. Last evaluated: 2016-06-24. Review status: criteria provided, single submitter. Criteria: ACMG Guidelines, 2015. Collection method: clinical testing. Allele origin: germline. Study: Canadian Open Genetics Repository.

GeneDx
Classification: Benign. Last evaluated: 2014-10-20. Review status: criteria provided, single submitter. Criteria: GeneDx Variant Classification (06012015). Collection method: clinical testing. Allele origin: germline. Affected: yes.
Comment: This variant is considered likely benign or benign based on one or more of the following criteria: it is a conservative change, it occurs at a poorly conserved position in the protein, it is predicted to be benign by multiple in silico algorithms, and/or has population frequency not consistent with disease.

Ambry Genetics
Classification: Benign for Familial thoracic aortic aneurysm and aortic dissection. Last evaluated: 2014-06-03. Review status: criteria provided, single submitter. Criteria: Ambry Variant Classification Scheme 2023. Collection method: clinical testing. Allele origin: germline.

Mayo Clinic Laboratories, Mayo Clinic
Classification: Benign. Last evaluated: 2014-01-31. Review status: criteria provided, single submitter. Criteria: ACMG Guidelines, 2015. Collection method: clinical testing. Allele origin: germline. Observed: 10 variant alleles.

PreventionGenetics, part of Exact Sciences
Classification: Benign. Review status: criteria provided, single submitter. Criteria: ACMG Guidelines, 2015. Collection method: clinical testing. Allele origin: germline.

Literature cited by the submitters: PubMed 18272325 (cited by Women's Health and Genetics/Laboratory Corporation of America, LabCorp).

NM_000090.4(COL3A1):c.3654G>T (p.Pro1218=)

Gene: COL3A1 (collagen type III alpha 1 chain; plus strand). Cytogenetic location: 2q32.2.
Variant type: single nucleotide variant.
Coding change: c.3654G>T on transcript NM_000090.4 (MANE Select); coding-DNA position 3654, G replaced by T.
Protein change: p.Pro1218=; no amino-acid change (proline 1218 retained).
Molecular consequence: synonymous variant.
Genome position (GRCh38, 1-based): chr2:189,009,052, G>T. VCF-style: chr2-189009052-G-T. GRCh37 (hg19) VCF-style: chr2-189873778-G-T.
Other names: p.P1218P:CCG>CCT; p.Pro1218=.
Identifiers: ClinVar variation 199706 (VCV000199706.75), dbSNP rs35759441, ClinGen allele CA006711.